The following is an entry in ClinVar:

NM_001276270.2(MBD4):c.308C>G (p.Ala103Gly)

Gene: MBD4 (methyl-CpG binding domain 4, DNA glycosylase; minus strand). Cytogenetic location: 3q21.3.
Variant type: single nucleotide variant.
Coding change: c.308C>G on transcript NM_001276270.2 (MANE Select); coding-DNA position 308, C replaced by G.
Protein change: p.Ala103Gly; replaces alanine 103 with glycine.
Molecular consequence: missense variant. On other transcripts: intron variant (1).
Genome position (GRCh38, 1-based): chr3:129,437,747, G>C on the plus strand (C>G on the coding strand, the complement: MBD4 is on the minus strand). VCF-style: chr3-129437747-G-C. GRCh37 (hg19) VCF-style: chr3-129156590-G-C.
Other names: c.308C>G, p.Ala103Gly (NM_001276271.2, NM_001276272.2, NM_003925.3); c.247+61C>G (NM_001276273.2); short protein forms A103G.
Identifiers: ClinVar variation 3870949 (VCV003870949.2).
Genomic context (GRCh38, chr3:129,437,747, plus strand): 5'-GGCTGTACTATCTTTACCATCTTATATGCTTACCTGATAAAGTACACATCAAATCTTCCT[G>C]CTGTCTTCCCAAATAACCTTTGCTTCACAACTCTTTCCCATCCACATGGGACAGACTTAC-3'
Protein context (NP_001263199.1, residues 93-113): VVKQRLFGKT[Ala103Gly]GRFDVYFISP

ClinVar aggregate classification (germline): Uncertain significance. Review status: criteria provided, multiple submitters, no conflicts (2 of 4 stars). 2 submissions from 2 submitters: Uncertain significance (2). Last evaluated 2025-09-11.

Conditions:
Inborn genetic diseases. Identifiers: MedGen C0950123, MeSH D030342.

Submissions (2):

Labcorp Genetics (formerly Invitae), Labcorp
Classification: Uncertain significance. Last evaluated: 2025-09-11. Review status: criteria provided, single submitter. Criteria: Invitae Variant Classification Sherloc (09022015). Collection method: clinical testing. Allele origin: germline.
Comment: This sequence change replaces alanine, which is neutral and non-polar, with glycine, which is neutral and non-polar, at codon 103 of the MBD4 protein (p.Ala103Gly). This variant is not present in population databases (gnomAD no frequency). This variant has not been reported in the literature in individuals affected with MBD4-related conditions. ClinVar contains an entry for this variant (Variation ID: 3870949). An algorithm developed to predict the effect of missense changes on protein structure and function (PolyPhen-2) suggests that this variant is likely to be disruptive. In summary, the available evidence is currently insufficient to determine the role of this variant in disease. Therefore, it has been classified as a Variant of Uncertain Significance.

Ambry Genetics
Classification: Uncertain significance for Inborn genetic diseases. Last evaluated: 2025-03-06. Review status: criteria provided, single submitter. Criteria: Ambry Variant Classification Scheme 2023. Collection method: clinical testing. Allele origin: germline.
Comment: The p.A103G variant (also known as c.308C>G), located in coding exon 2 of the MBD4 gene, results from a C to G substitution at nucleotide position 308. The alanine at codon 103 is replaced by glycine, an amino acid with similar properties. This amino acid position is conserved. In addition, this alteration is predicted to be deleterious by in silico analysis. Based on the available evidence, the clinical significance of this variant remains unclear.